The following is an entry in ClinVar:

NM_007325.5(GRIA3):c.1268G>A (p.Arg423Gln)

Gene: GRIA3 (glutamate ionotropic receptor AMPA type subunit 3; plus strand). Cytogenetic location: Xq25.
Variant type: single nucleotide variant.
Coding change: c.1268G>A on transcript NM_007325.5 (MANE Select); coding-DNA position 1268, G replaced by A.
Protein change: p.Arg423Gln; replaces arginine 423 with glutamine.
Molecular consequence: missense variant.
Genome position (GRCh38, 1-based): chrX:123,403,494, G>A. VCF-style: chrX-123403494-G-A. GRCh37 (hg19) VCF-style: chrX-122537345-G-A.
Other names: c.1268G>A (NM_000828.4); c.1268G>A, p.Arg423Gln (NM_000828.5); short protein forms R423Q.
Identifiers: ClinVar variation 3007032 (VCV003007032.4), dbSNP rs746222344, ClinGen allele CA10507039.

ClinVar aggregate classification (germline): Uncertain significance. Review status: criteria provided, multiple submitters, no conflicts (2 of 4 stars). 2 submissions from 2 submitters: Uncertain significance (2). Last evaluated 2025-08-29.

Conditions:
Inborn genetic diseases. Identifiers: MedGen C0950123, MeSH D030342.

Allele frequency attached by ClinVar (database versions not stated): ExAC 0.00001; gnomAD 0.00001; gnomAD exomes 0.00001.
gnomAD v4.1: 15 of 1,162,478 alleles (0.0013%); highest among the groups gnomAD compares: East Asian, 0.003%; no homozygotes.

Submissions (2):

Ambry Genetics
Classification: Uncertain significance for Inborn genetic diseases. Last evaluated: 2025-08-29. Review status: criteria provided, single submitter. Criteria: Ambry Variant Classification Scheme 2023. Collection method: clinical testing. Allele origin: germline.

Labcorp Genetics (formerly Invitae), Labcorp
Classification: Uncertain significance. Last evaluated: 2024-03-17. Review status: criteria provided, single submitter. Criteria: Invitae Variant Classification Sherloc (09022015). Collection method: clinical testing. Allele origin: germline.
Comment: This sequence change replaces arginine, which is basic and polar, with glutamine, which is neutral and polar, at codon 423 of the GRIA3 protein (p.Arg423Gln). This variant is present in population databases (rs746222344, gnomAD 0.004%). This variant has not been reported in the literature in individuals affected with GRIA3-related conditions. Advanced modeling of protein sequence and biophysical properties (such as structural, functional, and spatial information, amino acid conservation, physicochemical variation, residue mobility, and thermodynamic stability) performed at Invitae indicates that this missense variant is not expected to disrupt GRIA3 protein function with a negative predictive value of 80%. In summary, the available evidence is currently insufficient to determine the role of this variant in disease. Therefore, it has been classified as a Variant of Uncertain Significance.